The following is an entry in ClinVar:

ClinVar aggregate classification (germline): Benign. Review status: criteria provided, multiple submitters, no conflicts (2 of 4 stars). 3 submissions from 3 submitters: Benign (2). 1 of the submissions does not count toward it. Last evaluated 2018-11-20.

Conditions:
LRP1B-related disorder. Also called: LRP1B-related condition.

Allele frequency attached by ClinVar (database versions not stated): 1000 Genomes Project 30x 0.01218; 1000 Genomes Project 0.01278; TOPMed 0.01494; ESP Exome Variant Server 0.01623.
gnomAD v4.1: 3,905 of 1,598,636 alleles (0.24%); highest among the groups gnomAD compares: African/African-American, 4.8%; 102 homozygotes.

Submissions (3):

Labcorp Genetics (formerly Invitae), Labcorp
Classification: Benign. Last evaluated: 2018-11-20. Review status: criteria provided, single submitter. Criteria: Invitae Variant Classification Sherloc (09022015). Collection method: clinical testing. Allele origin: germline.

Breakthrough Genomics
Classification: Benign. Review status: criteria provided, single submitter. Criteria: ACMG Guidelines, 2015. Collection method: not provided. Allele origin: germline. Inheritance: Unknown mechanism. Affected: yes.

PreventionGenetics, part of Exact Sciences
Classification: Benign for LRP1B-related condition. Last evaluated: 2019-02-20. Review status: no assertion criteria provided. Collection method: clinical testing. Allele origin: germline. Not counted in ClinVar's aggregate classification.
Comment: This variant is classified as benign based on ACMG/AMP sequence variant interpretation guidelines (Richards et al. 2015 PMID: 25741868, with internal and published modifications).

NM_018557.3(LRP1B):c.1365T>C (p.Asn455=)

Gene: LRP1B (LDL receptor related protein 1B; minus strand). Cytogenetic location: 2q22.1.
Variant type: single nucleotide variant.
Coding change: c.1365T>C on transcript NM_018557.3 (MANE Select); coding-DNA position 1365, T replaced by C.
Protein change: p.Asn455=; no amino-acid change (asparagine 455 retained).
Molecular consequence: synonymous variant.
Genome position (GRCh38, 1-based): chr2:141,058,926, A>G on the plus strand (T>C on the coding strand, the complement: LRP1B is on the minus strand). VCF-style: chr2-141058926-A-G. GRCh37 (hg19) VCF-style: chr2-141816495-A-G.
Identifiers: ClinVar variation 791872 (VCV000791872.6), dbSNP rs58748805, ClinGen allele CA1896032.
Genomic context (GRCh38, chr2:141,058,926, plus strand): 5'-GAAGCTTTCCCACTTACCTGTTGGTTGAGTTCTTTTTTGATAAATTCGGATTCCCCAAGC[A>G]TTCTCAATTTTAATTAATGAGTGAATATCAGTCCCATTAAATCGGTTTATCCTTACGATA-3'
Protein context (NP_061027.2, residues 445-465): TDIHSLIKIE[Asn455=]AWGIRIYQKR